The following is an entry in ClinVar:

ClinVar aggregate classification (germline): Pathogenic/Likely pathogenic. Review status: criteria provided, multiple submitters, no conflicts (2 of 4 stars). 2 submissions from 2 submitters: Pathogenic (1); Likely pathogenic (1). Last evaluated 2023-10-18.

Conditions:
Glycogen storage disease, type II (IOPD). Also called: POMPE DISEASE, INFANTILE-ONSET; GLYCOGEN STORAGE DISEASE II, INFANTILE-ONSET; ACID ALPHA-GLUCOSIDASE DEFICIENCY, INFANTILE-ONSET; GAA DEFICIENCY, INFANTILE-ONSET; ACID MALTASE DEFICIENCY, INFANTILE-ONSET; Glucosidase acid-1,4-alpha deficiency. Identifiers: Orphanet 365, MedGen C0017921, MONDO:0009290, OMIM 232300.

Submissions (2):

Labcorp Genetics (formerly Invitae), Labcorp
Classification: Pathogenic for Glycogen storage disease, type II. Last evaluated: 2023-10-18. Review status: criteria provided, single submitter. Criteria: Invitae Variant Classification Sherloc (09022015). Collection method: clinical testing. Allele origin: germline.
Comment: This sequence change creates a premature translational stop signal (p.Tyr703*) in the GAA gene. It is expected to result in an absent or disrupted protein product. Loss-of-function variants in GAA are known to be pathogenic (PMID: 18425781, 22252923). This variant is not present in population databases (gnomAD no frequency). This premature translational stop signal has been observed in individual(s) with Pompe disease (PMID: 30155607, 31342611). For these reasons, this variant has been classified as Pathogenic.

Revvity Omics, Revvity
Classification: Likely pathogenic. Last evaluated: 2023-10-09. Review status: criteria provided, single submitter. Criteria: ACMG Guidelines, 2015. Collection method: clinical testing. Allele origin: germline.

Literature cited by the submitters: PubMed 18425781 (cited by Labcorp Genetics (formerly Invitae), Labcorp); PubMed 22252923 (cited by Labcorp Genetics (formerly Invitae), Labcorp); PubMed 30155607 (cited by Labcorp Genetics (formerly Invitae), Labcorp); PubMed 31342611 (cited by Labcorp Genetics (formerly Invitae), Labcorp).

NM_000152.5(GAA):c.2109C>G (p.Tyr703Ter)

Gene: GAA (alpha glucosidase; plus strand). Cytogenetic location: 17q25.3.
Variant type: single nucleotide variant.
Coding change: c.2109C>G on transcript NM_000152.5 (MANE Select); coding-DNA position 2109, C replaced by G.
Protein change: p.Tyr703Ter; replaces tyrosine 703 with a stop codon.
Molecular consequence: nonsense.
Genome position (GRCh38, 1-based): chr17:80,113,286, C>G. VCF-style: chr17-80113286-C-G. GRCh37 (hg19) VCF-style: chr17-78087085-C-G.
Other names: c.2109C>G, p.Tyr703Ter (NM_001079803.3, NM_001079804.3, NM_001406741.1 and 1 more transcripts); short protein forms Y703*.
Identifiers: ClinVar variation 2769971 (VCV002769971.4), dbSNP rs150728610, ClinGen allele CA401370511.
Genomic context (GRCh38, chr17:80,113,286, plus strand): 5'-GCCGTACAGCTTCAGCGAGCCGGCCCAGCAGGCCATGAGGAAGGCCCTCACCCTGCGCTA[C>G]GCACTCCTCCCCCACCTCTACACACTGTTCCACCAGGCCCACGTCGCGGGGGAGACCGTG-3'